The following is an entry in ClinVar:

NM_002480.3(PPP1R12A):c.647+2T>G

Gene: PPP1R12A (protein phosphatase 1 regulatory subunit 12A; minus strand). Cytogenetic location: 12q21.2.
Variant type: single nucleotide variant.
Coding change: c.647+2T>G on transcript NM_002480.3 (MANE Select); the canonical splice donor site of the intron after coding-DNA position 647, T replaced by G.
Molecular consequence: splice donor variant.
Genome position (GRCh38, 1-based): chr12:79,832,330, A>C on the plus strand (T>G on the coding strand, the complement: PPP1R12A is on the minus strand). VCF-style: chr12-79832330-A-C. GRCh37 (hg19) VCF-style: chr12-80226110-A-C.
Other names: c.647+2T>G (NM_001244992.1, NM_001244990.2, NM_001143885.2); c.386+2T>G (NM_001143886.2).
Identifiers: ClinVar variation 3235968 (VCV003235968.1), dbSNP rs2547952059, ClinGen allele CA385852471.

ClinVar aggregate classification (germline): Likely pathogenic (1 of 4 stars; one submission).

Conditions:
Genitourinary and/or brain malformation syndrome (GUBS). Also called: PPP1R12A-Related Urogenital and/or Brain Malformation Syndrome. Identifiers: MedGen C5394158, MONDO:0032934, OMIM 618820.

Submission:

MVZ Medizinische Genetik Mainz
Classification: Likely pathogenic for Genitourinary and/or brain malformation syndrome. Last evaluated: 2022-09-09. Review status: criteria provided, single submitter. Criteria: UK Practice Guidelines For Variant Classification V4 01 2020. Collection method: clinical testing. Allele origin: germline. Inheritance: Autosomal dominant inheritance. Affected: yes. Observed: 1 variant allele.
Comment: ACMG Criteria: PVS1, PM2_SUP (ACMG Version 4)